The following is an entry in ClinVar:

NM_003001.5(SDHC):c.78-3T>C

Gene: SDHC (succinate dehydrogenase complex subunit C; plus strand). Cytogenetic location: 1q23.3.
Variant type: single nucleotide variant.
Coding change: c.78-3T>C on transcript NM_003001.5 (MANE Select); 3 bases into the intron before coding-DNA position 78, T replaced by C.
Molecular consequence: intron variant.
Genome position (GRCh38, 1-based): chr1:161,328,393, T>C. VCF-style: chr1-161328393-T-C. GRCh37 (hg19) VCF-style: chr1-161298183-T-C.
Other names: c.-34-3T>C (NM_001407119.1, NM_001407120.1); c.78-3T>C (NM_001407115.1, NM_001035511.3); c.77+4723T>C (NM_001035512.3, NM_001278172.3, NM_001407118.1); c.21-3T>C (NM_001407116.1, NM_001407121.1, NM_001407117.1); c.21-12201T>C (NM_001035513.3).
Identifiers: ClinVar variation 4548086 (VCV004548086.1).

ClinVar aggregate classification (germline): Uncertain significance (1 of 4 stars; one submission).

Conditions:
Hereditary cancer-predisposing syndrome. Also called: Tumor predisposition; Hereditary Cancer Syndrome; Hereditary neoplastic syndrome; Neoplastic Syndromes, Hereditary. Identifiers: Orphanet 140162, MedGen C0027672, MeSH D009386, MONDO:0015356.

gnomAD v4.1: 1 of 1,604,908 alleles (0.000062%); highest among the groups gnomAD compares: East Asian, 0.0022%; no homozygotes.

Submission:

Ambry Genetics
Classification: Uncertain significance for Hereditary cancer-predisposing syndrome. Last evaluated: 2025-09-24. Review status: criteria provided, single submitter. Criteria: Ambry Variant Classification Scheme 2023. Collection method: clinical testing. Allele origin: germline.
Comment: The c.78-3T>C intronic variant results from a T to C substitution 3 nucleotides upstream from coding exon 3 in the SDHC gene. This nucleotide position is well conserved in available vertebrate species. In silico splice site analysis predicts that this alteration will not have any significant effect on splicing. Based on the available evidence, the clinical significance of this variant remains unclear.